The following is an entry in ClinVar:

ClinVar aggregate classification (germline): Pathogenic (1 of 4 stars; one submission).

Submission:

GeneDx
Classification: Pathogenic. Last evaluated: 2025-04-04. Review status: criteria provided, single submitter. Criteria: GeneDx Variant Classification Process June 2021. Collection method: clinical testing. Allele origin: germline. Affected: yes.
Comment: Frameshift variant predicted to result in protein truncation or nonsense mediated decay in a gene for which loss of function is a known mechanism of disease; Not observed at significant frequency in large population cohorts (gnomAD); Has not been previously published as pathogenic or benign to our knowledge

NM_000214.3(JAG1):c.1409_1410del (p.Gly470fs)

Gene: JAG1 (jagged canonical Notch ligand 1; minus strand). Cytogenetic location: 20p12.2.
Variant type: Deletion.
Coding change: c.1409_1410del on transcript NM_000214.3 (MANE Select); coding-DNA positions 1409 to 1410, 2 bases deleted (GT; older notation c.1409_1410delGT).
Protein change: p.Gly470fs; shifts the reading frame from glycine 470.
Molecular consequence: frameshift variant.
Genome position (GRCh38, 1-based): chr20:10,648,708-10,648,709, AC deleted on the plus strand (GT on the coding strand, the reverse complement: JAG1 is on the minus strand). VCF-style (leftmost placement, unchanged base first): chr20-10648707-AAC-A. GRCh37 (hg19) VCF-style: chr20-10629355-AAC-A.
Other names: short protein forms G470fs.
Identifiers: ClinVar variation 4278589 (VCV004278589.1).